The following is an entry in ClinVar:

NM_001010903.5(BNIP5):c.575G>A (p.Arg192His)

Gene: BNIP5 (BCL2 interacting protein 5; minus strand). Cytogenetic location: 6p21.31.
Variant type: single nucleotide variant.
Coding change: c.575G>A on transcript NM_001010903.5 (MANE Select); coding-DNA position 575, G replaced by A.
Protein change: p.Arg192His; replaces arginine 192 with histidine.
Molecular consequence: missense variant.
Genome position (GRCh38, 1-based): chr6:36,330,116, C>T on the plus strand (G>A on the coding strand, the complement: BNIP5 is on the minus strand). VCF-style: chr6-36330116-C-T. GRCh37 (hg19) VCF-style: chr6-36297893-C-T.
Other names: short protein forms R192H.
Identifiers: ClinVar variation 2656514 (VCV002656514.24), dbSNP rs41272160, ClinGen allele CA3778639.

ClinVar aggregate classification (germline): Likely benign (1 of 4 stars; one submission).

Allele frequency attached by ClinVar (database versions not stated): gnomAD exomes 0.00111; ExAC 0.00168; gnomAD 0.00186; TOPMed 0.00190; ESP Exome Variant Server 0.00200; 1000 Genomes Project 0.00240; 1000 Genomes Project 30x 0.00250.
gnomAD v4.1: 1,962 of 1,610,526 alleles (0.12%); highest among the groups gnomAD compares: South Asian, 0.53%; 6 homozygotes.

Submission:

CeGaT Center for Human Genetics Tuebingen
Classification: Likely benign. Last evaluated: 2022-09-01. Review status: criteria provided, single submitter. Criteria: CeGaT Center For Human Genetics Tuebingen Variant Classification Criteria Version 2. Collection method: clinical testing. Allele origin: germline. Affected: yes. Observed: 1 variant allele.
Comment: BNIP5: BP4